The following is an entry in ClinVar:

ClinVar aggregate classification (germline): Uncertain significance (1 of 4 stars; one submission).

Submission:

Labcorp Genetics (formerly Invitae), Labcorp
Classification: Uncertain significance. Last evaluated: 2024-04-24. Review status: criteria provided, single submitter. Criteria: Invitae Variant Classification Sherloc (09022015). Collection method: clinical testing. Allele origin: germline.
Comment: This sequence change replaces phenylalanine, which is neutral and non-polar, with serine, which is neutral and polar, at codon 320 of the POLE protein (p.Phe320Ser). This variant is not present in population databases (gnomAD no frequency). This variant has not been reported in the literature in individuals affected with POLE-related conditions. Advanced modeling of protein sequence and biophysical properties (such as structural, functional, and spatial information, amino acid conservation, physicochemical variation, residue mobility, and thermodynamic stability) performed at Invitae indicates that this missense variant is expected to disrupt POLE protein function with a positive predictive value of 80%. In summary, the available evidence is currently insufficient to determine the role of this variant in disease. Therefore, it has been classified as a Variant of Uncertain Significance.

NM_006231.4(POLE):c.959T>C (p.Phe320Ser)

Gene: POLE (DNA polymerase epsilon, catalytic subunit; minus strand). Cytogenetic location: 12q24.33.
Variant type: single nucleotide variant.
Coding change: c.959T>C on transcript NM_006231.4 (MANE Select); coding-DNA position 959, T replaced by C.
Protein change: p.Phe320Ser; replaces phenylalanine 320 with serine.
Molecular consequence: missense variant.
Genome position (GRCh38, 1-based): chr12:132,676,155, A>G on the plus strand (T>C on the coding strand, the complement: POLE is on the minus strand). VCF-style: chr12-132676155-A-G. GRCh37 (hg19) VCF-style: chr12-133252741-A-G.
Other names: short protein forms F320S.
Identifiers: ClinVar variation 3683648 (VCV003683648.2).